The following is an entry in ClinVar:

ClinVar aggregate classification (germline): conflicting data from submitters (0 of 4 stars; one submission).

Submission:

ISCA site 1
Classification: conflicting data from submitters. Last evaluated: 2013-04-04. Review status: no assertion criteria provided. Collection method: clinical testing. Allele origin: unknown, maternal. Affected: yes. Observed: 3 variant alleles. Clinical features observed: Seizures (HP:0001250), Global developmental delay (HP:0001263), Generalized hypotonia (HP:0001290), Developmental delay AND/OR other significant developmental or morphological phenotypes, Intellectual disability (HP:0001249).
Comment: Uncertain significance(2), Likely benign (1)

Copy number variation identified through the course of routine clinical cytogenomic testing in postnatal populations, with clinical assertions as classified by the original submitter. For data from the original published study, Kaminsky, et al. 2011 (PubMed 21844811), please see nstd101.

GRCh38/hg38 7q21.13(chr7:89030468-89447599)x1

Genes: ZNF804B (zinc finger protein 804B; plus strand), LOC105375387 (uncharacterized LOC105375387; plus strand). Cytogenetic location: 7q21.13.
Variant type: copy number loss.
Change: copy number 1 (one copy instead of two) of chr7:89,030,468-89,447,599 (417.1 kb, GRCh38 coordinates, 1-based), cytogenetic band 7q21.13.
Identifiers: ClinVar variation 144133 (VCV000144133.2).